The following is an entry in ClinVar:

NM_017514.5(PLXNA3):c.2800-5C>T

Gene: PLXNA3 (plexin A3; plus strand). Cytogenetic location: Xq28.
Variant type: single nucleotide variant.
Coding change: c.2800-5C>T on transcript NM_017514.5 (MANE Select); 5 bases into the intron before coding-DNA position 2800, C replaced by T.
Molecular consequence: intron variant.
Genome position (GRCh38, 1-based): chrX:154,466,371, C>T. VCF-style: chrX-154466371-C-T. GRCh37 (hg19) VCF-style: chrX-153694714-C-T.
Identifiers: ClinVar variation 3354608 (VCV003354608.1).

ClinVar aggregate classification (germline): Likely benign (0 of 4 stars; one submission).

Conditions:
PLXNA3-related disorder. Also called: PLXNA3-related condition.

gnomAD v4.1: 86 of 1,210,557 alleles (0.0071%); highest among the groups gnomAD compares: South Asian, 0.032%; no homozygotes.

Submission:

PreventionGenetics, part of Exact Sciences
Classification: Likely benign for PLXNA3-related condition. Last evaluated: 2024-08-05. Review status: no assertion criteria provided. Collection method: clinical testing. Allele origin: germline.
Comment: This variant is classified as likely benign based on ACMG/AMP sequence variant interpretation guidelines (Richards et al. 2015 PMID: 25741868, with internal and published modifications).